The following is an entry in ClinVar:

ClinVar aggregate classification (germline): Uncertain significance (1 of 4 stars; one submission).

Conditions:
NIK deficiency. Also called: Primary immunodeficiency with multifaceted aberrant lymphoid immunity. Identifiers: Orphanet 447731, MedGen C5680065, MONDO:0018642.

Submission:

Labcorp Genetics (formerly Invitae), Labcorp
Classification: Uncertain significance for NIK deficiency. Last evaluated: 2022-04-25. Review status: criteria provided, single submitter. Criteria: Invitae Variant Classification Sherloc (09022015). Collection method: clinical testing. Allele origin: germline.
Comment: In summary, the available evidence is currently insufficient to determine the role of this variant in disease. Therefore, it has been classified as a Variant of Uncertain Significance. Experimental studies and prediction algorithms are not available or were not evaluated, and the functional significance of this variant is currently unknown. This variant has not been reported in the literature in individuals affected with MAP3K14-related conditions. This variant is not present in population databases (gnomAD no frequency). This sequence change replaces glycine, which is neutral and non-polar, with cysteine, which is neutral and slightly polar, at codon 570 of the MAP3K14 protein (p.Gly570Cys).

NM_003954.5(MAP3K14):c.1708G>T (p.Gly570Cys)

Gene: MAP3K14 (mitogen-activated protein kinase kinase kinase 14; minus strand). Cytogenetic location: 17q21.31.
Variant type: single nucleotide variant.
Coding change: c.1708G>T on transcript NM_003954.5 (MANE Select); coding-DNA position 1708, G replaced by T.
Protein change: p.Gly570Cys; replaces glycine 570 with cysteine.
Molecular consequence: missense variant.
Genome position (GRCh38, 1-based): chr17:45,271,171, C>A on the plus strand (G>T on the coding strand, the complement: MAP3K14 is on the minus strand). VCF-style: chr17-45271171-C-A. GRCh37 (hg19) VCF-style: chr17-43348538-C-A.
Other names: short protein forms G570C.
Identifiers: ClinVar variation 2130459 (VCV002130459.4), dbSNP rs2508982696, ClinGen allele CA399880190.